The following is an entry in ClinVar:

ClinVar aggregate classification (germline): Likely benign. Review status: criteria provided, multiple submitters, no conflicts (2 of 4 stars). 2 submissions from 2 submitters: Likely benign (2). Last evaluated 2025-05-01.

gnomAD v4.1: 15 of 1,203,295 alleles (0.0012%); highest among the groups gnomAD compares: Middle Eastern, 0.023%; no homozygotes.

Submissions (2):

CeGaT Center for Human Genetics Tuebingen
Classification: Likely benign. Last evaluated: 2025-05-01. Review status: criteria provided, single submitter. Criteria: CeGaT Center For Human Genetics Tuebingen Variant Classification Criteria Version 2. Collection method: clinical testing. Allele origin: germline. Affected: yes. Observed: 1 variant allele.
Comment: BCOR: PP3, BS2

Blueprint Genetics
Classification: Likely benign. Last evaluated: 2024-02-07. Review status: criteria provided, single submitter. Criteria: ACMG Guidelines, 2015. Collection method: clinical testing. Allele origin: germline.

NM_001123385.2(BCOR):c.4389C>T (p.Gly1463=)

Gene: BCOR (BCL6 corepressor; minus strand). Cytogenetic location: Xp11.4.
Variant type: single nucleotide variant.
Coding change: c.4389C>T on transcript NM_001123385.2 (MANE Select); coding-DNA position 4389, C replaced by T.
Protein change: p.Gly1463=; no amino-acid change (glycine 1463 retained).
Molecular consequence: synonymous variant.
Genome position (GRCh38, 1-based): chrX:40,062,178, G>A on the plus strand (C>T on the coding strand, the complement: BCOR is on the minus strand). VCF-style: chrX-40062178-G-A. GRCh37 (hg19) VCF-style: chrX-39921431-G-A.
Other names: c.4287C>T, p.Gly1429= (NM_001123383.2, NM_017745.6); c.4233C>T, p.Gly1411= (NM_001123384.2).
Identifiers: ClinVar variation 3905387 (VCV003905387.11).
Genomic context (GRCh38, chrX:40,062,178, plus strand): 5'-GGAGCGCCCACAGGGACACACCTCATAGCCAAGCCTGGCTGCCCGCTGCAGAAGGGTCTC[G>A]CCAGCGTTCTTATTGACAATAAGTCTCCGTGCTTCCGGCGGCATAGGGCGAGACTGGGTG-3'
Protein context (NP_001116857.1, residues 1453-1473): ARRLIVNKNA[Gly1463=]ETLLQRAARL